The following is an entry in ClinVar:

NM_001037.5(SCN1B):c.136C>T (p.Arg46Cys)

Gene: SCN1B (sodium voltage-gated channel beta subunit 1; plus strand). Cytogenetic location: 19q13.11.
Variant type: single nucleotide variant.
Coding change: c.136C>T on transcript NM_001037.5 (MANE Select); coding-DNA position 136, C replaced by T.
Protein change: p.Arg46Cys; replaces arginine 46 with cysteine.
Molecular consequence: missense variant.
Genome position (GRCh38, 1-based): chr19:35,032,623, C>T. VCF-style: chr19-35032623-C-T. GRCh37 (hg19) VCF-style: chr19-35523527-C-T.
Other names: c.37C>T, p.Arg13Cys (NM_001321605.2); c.136C>T, p.Arg46Cys (NM_199037.5); short protein forms R46C, R13C.
Identifiers: ClinVar variation 470176 (VCV000470176.10), dbSNP rs371646049, ClinGen allele CA9371962.
Genomic context (GRCh38, chr19:35,032,623, plus strand): 5'-TCGGAGACCGAGGCCGTGTATGGGATGACCTTCAAAATTCTTTGCATCTCCTGCAAGCGC[C>T]GCAGCGAGACCAACGCTGAGACCTTCACCGAGTGGACCTTCCGCCAGAAGGGCACTGAGG-3'
Protein context (NP_001028.1, residues 36-56): FKILCISCKR[Arg46Cys]SETNAETFTE

ClinVar aggregate classification (germline): Uncertain significance. Review status: criteria provided, multiple submitters, no conflicts (2 of 4 stars). 2 submissions from 2 submitters: Uncertain significance (2). Last evaluated 2023-09-28.

Conditions:
Brugada syndrome 5 (BRGDA5). Identifiers: Orphanet 130, Orphanet 871, MedGen C2748541, MONDO:0013015, OMIM 612838.

Allele frequency attached by ClinVar (database versions not stated): gnomAD exomes below 0.00001; ExAC 0.00001; ESP Exome Variant Server 0.00008.

Submissions (2):

Labcorp Genetics (formerly Invitae), Labcorp
Classification: Uncertain significance for Brugada syndrome 5. Last evaluated: 2023-09-28. Review status: criteria provided, single submitter. Criteria: Invitae Variant Classification Sherloc (09022015). Collection method: clinical testing. Allele origin: germline.
Comment: In summary, the available evidence is currently insufficient to determine the role of this variant in disease. Therefore, it has been classified as a Variant of Uncertain Significance. Experimental studies have shown that this missense change affects SCN1B function (PMID: 33901312). An algorithm developed to predict the effect of missense changes on protein structure and function (PolyPhen-2) suggests that this variant is likely to be disruptive. ClinVar contains an entry for this variant (Variation ID: 470176). This missense change has been observed in individual(s) with autosomal recessive epileptic encephalopathy and/or epileptic encephalopathy (PMID: 33901312). It has also been observed to segregate with disease in related individuals. This variant is present in population databases (rs371646049, gnomAD 0.0009%). This sequence change replaces arginine, which is basic and polar, with cysteine, which is neutral and slightly polar, at codon 46 of the SCN1B protein (p.Arg46Cys).

Eurofins Ntd Llc (ga)
Classification: Uncertain significance. Last evaluated: 2018-04-12. Review status: criteria provided, single submitter. Criteria: EGL ClinVar v180209 classification definitions. Collection method: clinical testing. Allele origin: germline. Observed: 1 variant allele, 1 heterozygote.

Literature cited by the submitters: PubMed 33901312 (cited by Labcorp Genetics (formerly Invitae), Labcorp).